The following is an entry in ClinVar:

ClinVar aggregate classification (germline): Conflicting classifications of pathogenicity. Review status: criteria provided, conflicting classifications (1 of 4 stars). 12 submissions from 12 submitters: Uncertain significance (2); Benign (1); Likely benign (5). 4 of the submissions do not count toward it. Last evaluated 2026-03-18.

Conditions:
Hereditary cancer-predisposing syndrome. Also called: Hereditary neoplastic syndrome; Neoplastic Syndromes, Hereditary; Hereditary Cancer Syndrome; Tumor predisposition. Identifiers: Orphanet 140162, MedGen C0027672, MeSH D009386, MONDO:0015356.
Hereditary breast ovarian cancer syndrome. Also called: Hereditary breast and ovarian cancer syndrome (HBOC); Breast and ovarian cancer; Hereditary breast and ovarian cancer syndrome; BRCA1- and BRCA2-Associated Hereditary Breast and Ovarian Cancer; Hereditary breast and/or ovarian cancer syndrome; Hereditary breast and ovarian cancer. Identifiers: Orphanet 145, MedGen C0677776, MeSH D061325, MONDO:0003582. Disease mechanism: loss of function.
Breast-ovarian cancer, familial, susceptibility to, 2 (BROVCA2). Also called: BRCA2 Hereditary Breast and Ovarian Cancer. Identifiers: Orphanet 145, MedGen C2675520, MONDO:0012933, OMIM 612555. Disease mechanism: loss of function.
Familial cancer of breast. Also called: BREAST CANCER, FAMILIAL; hereditary breast carcinoma; Hereditary breast cancer. Identifiers: Orphanet 227535, MedGen C0346153, MONDO:0016419, OMIM 114480. Disease mechanism: loss of function.

Allele frequency attached by ClinVar (database versions not stated): ExAC 0.00002; gnomAD exomes 0.00002; TOPMed 0.00003.
gnomAD v4.1: 46 of 1,613,828 alleles (0.0029%); highest among the groups gnomAD compares: Non-Finnish European, 0.0037%; no homozygotes.

Submissions (12):

Women's Health and Genetics/Laboratory Corporation of America, LabCorp
Classification: Likely benign. Last evaluated: 2026-03-18. Review status: criteria provided, single submitter. Criteria: LabCorp Variant Classification Summary - May 2015. Collection method: clinical testing. Allele origin: germline.
Comment: Variant summary: BRCA2 c.5737T>C (p.Cys1913Arg) results in a non-conservative amino acid change in the encoded protein sequence. Algorithms developed to predict the effect of missense changes on protein structure and function are either unavailable or do not agree on the potential impact of this missense change. The variant allele was found at a frequency of 1.6e-05 in 250954 control chromosomes. The available data on variant occurrences in the general population are insufficient to allow any conclusion about variant significance. c.5737T>C has been reported in the literature in individuals affected with Breast Cancer (Moghadasi_2013, Lu_2015, Nguyen-Dumont_2020). These report(s) do not provide unequivocal conclusions about association of the variant with Hereditary Breast And Ovarian Cancer Syndrome. At least one co-occurrence with another pathogenic variant has been reported in the BIC database (BRCA1 c.213-12A>G), providing supporting evidence for a benign role. To our knowledge, no experimental evidence demonstrating an impact on protein function has been reported. The following publications have been ascertained in the context of this evaluation (PMID: 26689913, 31409081, 23231788, 32772980). ClinVar contains an entry for this variant (Variation ID: 37992). Based on the evidence outlined above, the variant was classified as likely benign.

Labcorp Genetics (formerly Invitae), Labcorp
Classification: Likely benign for Hereditary breast ovarian cancer syndrome. Last evaluated: 2026-01-28. Review status: criteria provided, single submitter. Criteria: Invitae Variant Classification Sherloc (09022015). Collection method: clinical testing. Allele origin: germline.

Quest Diagnostics Nichols Institute San Juan Capistrano
Classification: Uncertain significance. Last evaluated: 2024-01-15. Review status: criteria provided, single submitter. Criteria: Quest Diagnostics criteria. Collection method: clinical testing. Allele origin: unknown.
Comment: The BRCA2 c.5737T>C (p.Cys1913Arg) variant has been reported in the published literature in individuals with breast and/or ovarian cancer (PMID: 32772980 (2020), 16683254 (2006), 26689913 (2015), 33471991 (2021), see also LOVD). This variant has also been identified in reportedly healthy individuals (PMID: 33471991 (2021), see also LOVD). In addition, this variant has been reported to be located in a region of the BRCA2 gene that is tolerant to missense sequence changes (PMID: 31911673 (2020)). The frequency of this variant in the general population, 0.000039 (5/128832 chromosomes (Genome Aggregation Database)), is uninformative in the assessment of its pathogenicity. Analysis of this variant using bioinformatics tools for the prediction of the effect of amino acid changes on protein structure and function yielded predictions that this variant is benign. Based on the available information, we are unable to determine the clinical significance of this variant.

University of Washington Department of Laboratory Medicine, University of Washington
Classification: Likely benign for Hereditary cancer-predisposing syndrome. Last evaluated: 2023-03-23. Review status: criteria provided, single submitter. Criteria: Dines et al. (Genet Med. 2020). Collection method: curation. Allele origin: germline.
Comment: Missense variant in a coldspot region where missense variants are very unlikely to be pathogenic (PMID:31911673).

BRCA2 exon 11 coldspot. Reclassification based on statistical prior probability.

Genetics and Molecular Pathology, SA Pathology
Classification: Uncertain significance for Familial cancer of breast. Last evaluated: 2022-06-07. Review status: criteria provided, single submitter. Criteria: ACMG Guidelines, 2015. Collection method: clinical testing. Allele origin: germline. Affected: yes.

GeneDx
Classification: Likely benign. Last evaluated: 2021-03-25. Review status: criteria provided, single submitter. Criteria: GeneDx Variant Classification Process June 2021. Collection method: clinical testing. Allele origin: germline. Affected: yes.
Comment: This variant is associated with the following publications: (PMID: 16683254, 26689913)

Ambry Genetics
Classification: Likely benign for Hereditary cancer-predisposing syndrome. Last evaluated: 2018-04-30. Review status: criteria provided, single submitter. Criteria: Ambry Variant Classification Scheme 2023. Collection method: clinical testing. Allele origin: germline.

Color Diagnostics, LLC DBA Color Health
Classification: Benign for Hereditary cancer-predisposing syndrome. Last evaluated: 2017-03-08. Review status: criteria provided, single submitter. Criteria: ACMG Guidelines, 2015. Collection method: clinical testing. Allele origin: germline.

Mayo Clinic Laboratories, Mayo Clinic
Classification: Uncertain significance. Last evaluated: 2017-02-06. Review status: no assertion criteria provided. Collection method: clinical testing. Allele origin: unknown. Not counted in ClinVar's aggregate classification.

Counsyl
Classification: Uncertain significance for Breast-ovarian cancer, familial, susceptibility to, 2. Last evaluated: 2016-09-09. Review status: no assertion criteria provided. Collection method: clinical testing. Allele origin: unknown. Not counted in ClinVar's aggregate classification.

Sharing Clinical Reports Project (SCRP)
Classification: Benign for Breast-ovarian cancer, familial 2. Last evaluated: 2012-05-01. Review status: no assertion criteria provided. Collection method: clinical testing. Allele origin: germline. Not counted in ClinVar's aggregate classification.

Breast Cancer Information Core (BIC) (BRCA2)
Classification: Uncertain significance for Breast-ovarian cancer, familial 2. Last evaluated: 2000-08-16. Review status: no assertion criteria provided. Collection method: clinical testing. Allele origin: germline. Affected: yes. Observed: 2 variant alleles. Not counted in ClinVar's aggregate classification.

Literature cited by the submitters: PubMed 23231788 (cited by Women's Health and Genetics/Laboratory Corporation of America, LabCorp and Quest Diagnostics Nichols Institute San Juan Capistrano); PubMed 26689913 (cited by 3 submitters); PubMed 31409081 (cited by Women's Health and Genetics/Laboratory Corporation of America, LabCorp); PubMed 32772980 (cited by Women's Health and Genetics/Laboratory Corporation of America, LabCorp and Quest Diagnostics Nichols Institute San Juan Capistrano); PubMed 16683254 (cited by Quest Diagnostics Nichols Institute San Juan Capistrano and Counsyl); PubMed 33471991 (cited by Quest Diagnostics Nichols Institute San Juan Capistrano); PubMed 31911673 (cited by Quest Diagnostics Nichols Institute San Juan Capistrano).

NM_000059.4(BRCA2):c.5737T>C (p.Cys1913Arg)

Gene: BRCA2 (BRCA2 DNA repair associated; plus strand). Cytogenetic location: 13q13.1.
Variant type: single nucleotide variant.
Coding change: c.5737T>C on transcript NM_000059.4 (MANE Select); coding-DNA position 5737, T replaced by C.
Protein change: p.Cys1913Arg; replaces cysteine 1913 with arginine.
Molecular consequence: missense variant.
Genome position (GRCh38, 1-based): chr13:32,340,092, T>C. VCF-style: chr13-32340092-T-C. GRCh37 (hg19) VCF-style: chr13-32914229-T-C.
Other names: p.C1913R:TGT>CGT; 5965T>C; short protein forms C1913R.
Identifiers: ClinVar variation 37992 (VCV000037992.34), dbSNP rs80358799, ClinGen allele CA023103.
Genomic context (GRCh38, chr13:32,340,092, plus strand): 5'-TGTTACGAGGCATTGGATGATTCAGAGGATATTCTTCATAACTCTCTAGATAATGATGAA[T>C]GTAGCACGCATTCACATAAGGTTTTTGCTGACATTCAGAGTGAAGAAATTTTACAACATA-3'
Protein context (NP_000050.3, residues 1903-1923): ILHNSLDNDE[Cys1913Arg]STHSHKVFAD